The following is an entry in ClinVar:

NM_000219.6(KCNE1):c.363C>A (p.His121Gln)

Gene: KCNE1 (potassium voltage-gated channel subfamily E regulatory subunit 1; minus strand). Cytogenetic location: 21q22.12.
Variant type: single nucleotide variant.
Coding change: c.363C>A on transcript NM_000219.6 (MANE Select); coding-DNA position 363, C replaced by A.
Protein change: p.His121Gln; replaces histidine 121 with glutamine.
Molecular consequence: missense variant.
Genome position (GRCh38, 1-based): chr21:34,449,272, G>T on the plus strand (C>A on the coding strand, the complement: KCNE1 is on the minus strand). VCF-style: chr21-34449272-G-T. GRCh37 (hg19) VCF-style: chr21-35821570-G-T.
Other names: c.363C>A, p.His121Gln (NM_001127668.4, NM_001127669.4, NM_001127670.4 and 4 more transcripts); short protein forms H121Q.
Identifiers: ClinVar variation 3373819 (VCV003373819.2).

Conditions:
Long QT syndrome 5 (LQT5). Identifiers: Orphanet 101016, Orphanet 768, MedGen C1867904, MONDO:0013372, OMIM 613695.

Submission:

Roden Lab, Vanderbilt University Medical Center
No classification provided (evidence only). Condition: Long QT syndrome 5. Review status: no classification provided. Collection method: in vitro. Allele origin: not applicable. Functional consequence: Effect on ion channel function.
ClinVar note: "not provided" was previously submitted as the classification for the variant. However, the classification appeared to be based only on an observation of functional data so it was converted to no classification on 2025-07-30.